The following is an entry in ClinVar:

ClinVar aggregate classification (germline): Uncertain significance. Review status: criteria provided, multiple submitters, no conflicts (2 of 4 stars). 2 submissions from 2 submitters: Uncertain significance (2). Last evaluated 2024-01-27.

Conditions:
Hereditary xanthinuria type 1 (XAN1). Identifiers: Orphanet 3467, Orphanet 93601, MedGen C0268118, MONDO:0010209, OMIM 278300.

Allele frequency attached by ClinVar (database versions not stated): gnomAD exomes below 0.00001 and 0.00008; TOPMed below 0.00001; gnomAD 0.00001.
gnomAD v4.1: 48 of 1,614,090 alleles (0.003%); highest among the groups gnomAD compares: East Asian, 0.11%; no homozygotes.

Submissions (2):

Fulgent Genetics
Classification: Uncertain significance for Hereditary xanthinuria type 1. Last evaluated: 2024-01-27. Review status: criteria provided, single submitter. Criteria: ACMG Guidelines, 2015. Collection method: clinical testing. Allele origin: germline.

Illumina Laboratory Services, Illumina
Classification: Uncertain significance for Hereditary xanthinuria type 1. Last evaluated: 2017-06-14. Review status: criteria provided, single submitter. Criteria: ICSL Variant Classification Criteria 13 December 2019. Collection method: clinical testing. Allele origin: germline.
Comment: This variant was observed as part of a predisposition screen in an ostensibly healthy population. A literature search was performed for the gene, cDNA change, and amino acid change (where applicable). Publications were found based on this search. However, the evidence from the literature, in combination with allele frequency data from public databases where available, was not sufficient to rule this variant in or out of causing disease. Therefore, this variant is classified as a variant of unknown significance.

Literature cited by the submitters: PubMed 21963464 (cited by Illumina Laboratory Services, Illumina); PubMed 28508967 (cited by Illumina Laboratory Services, Illumina); PubMed 26863601 (cited by Illumina Laboratory Services, Illumina); PubMed 18300946 (cited by Illumina Laboratory Services, Illumina); PubMed 20814157 (cited by Illumina Laboratory Services, Illumina); PubMed 22421815 (cited by Illumina Laboratory Services, Illumina).

NM_000379.4(XDH):c.3953G>A (p.Cys1318Tyr)

Gene: XDH (xanthine dehydrogenase; minus strand). Cytogenetic location: 2p23.1.
Variant type: single nucleotide variant.
Coding change: c.3953G>A on transcript NM_000379.4 (MANE Select); coding-DNA position 3953, G replaced by A.
Protein change: p.Cys1318Tyr; replaces cysteine 1318 with tyrosine.
Molecular consequence: missense variant.
Genome position (GRCh38, 1-based): chr2:31,336,007, C>T on the plus strand (G>A on the coding strand, the complement: XDH is on the minus strand). VCF-style: chr2-31336007-C-T. GRCh37 (hg19) VCF-style: chr2-31558873-C-T.
Other names: short protein forms C1318Y.
Identifiers: ClinVar variation 897348 (VCV000897348.6), dbSNP rs2295474, ClinGen allele CA44711268.